The following is an entry in ClinVar:

ClinVar aggregate classification (germline): Uncertain significance (1 of 4 stars; one submission).

Conditions:
POLD1-related polyposis and colorectal cancer syndrome (CRCS10). Also called: Colorectal cancer 10; COLORECTAL CANCER, SUSCEPTIBILITY TO, ON CHROMOSOME 19q; Colorectal cancer, susceptibility to, 10. Identifiers: Orphanet 220460, MedGen C2675481, MONDO:0012953, OMIM 612591.

Submission:

Labcorp Genetics (formerly Invitae), Labcorp
Classification: Uncertain significance for POLD1-related polyposis and colorectal cancer syndrome. Last evaluated: 2024-09-16. Review status: criteria provided, single submitter. Criteria: Invitae Variant Classification Sherloc (09022015). Collection method: clinical testing. Allele origin: germline.
Comment: This sequence change replaces phenylalanine, which is neutral and non-polar, with leucine, which is neutral and non-polar, at codon 799 of the POLD1 protein (p.Phe799Leu). This variant is not present in population databases (gnomAD no frequency). This variant has not been reported in the literature in individuals affected with POLD1-related conditions. Invitae Evidence Modeling of protein sequence and biophysical properties (such as structural, functional, and spatial information, amino acid conservation, physicochemical variation, residue mobility, and thermodynamic stability) indicates that this missense variant is not expected to disrupt POLD1 protein function with a negative predictive value of 80%. In summary, the available evidence is currently insufficient to determine the role of this variant in disease. Therefore, it has been classified as a Variant of Uncertain Significance.

NM_002691.4(POLD1):c.2395T>C (p.Phe799Leu)

Gene: POLD1 (DNA polymerase delta 1, catalytic subunit; plus strand). Cytogenetic location: 19q13.33.
Variant type: single nucleotide variant.
Coding change: c.2395T>C on transcript NM_002691.4 (MANE Select); coding-DNA position 2395, T replaced by C.
Protein change: p.Phe799Leu; replaces phenylalanine 799 with leucine.
Molecular consequence: missense variant. On other transcripts: non-coding transcript variant (1).
Genome position (GRCh38, 1-based): chr19:50,414,821, T>C. VCF-style: chr19-50414821-T-C. GRCh37 (hg19) VCF-style: chr19-50918078-T-C.
Other names: c.2395T>C, p.Phe799Leu (NM_001256849.1); c.2473T>C, p.Phe825Leu (NM_001308632.1); short protein forms F799L, F825L.
Identifiers: ClinVar variation 3665815 (VCV003665815.2).